The following is an entry in ClinVar:

ClinVar aggregate classification (germline): Uncertain significance (1 of 4 stars; one submission).

Submission:

Labcorp Genetics (formerly Invitae), Labcorp
Classification: Uncertain significance. Last evaluated: 2020-09-24. Review status: criteria provided, single submitter. Criteria: Invitae Variant Classification Sherloc (09022015). Collection method: clinical testing. Allele origin: germline.
Comment: This sequence change replaces proline with leucine at codon 678 of the INPPL1 protein (p.Pro678Leu). The proline residue is moderately conserved and there is a moderate physicochemical difference between proline and leucine. This variant is not present in population databases (ExAC no frequency). In summary, the available evidence is currently insufficient to determine the role of this variant in disease. Therefore, it has been classified as a Variant of Uncertain Significance. Algorithms developed to predict the effect of missense changes on protein structure and function (SIFT, PolyPhen-2, Align-GVGD) all suggest that this variant is likely to be tolerated, but these predictions have not been confirmed by published functional studies and their clinical significance is uncertain. This variant has not been reported in the literature in individuals with INPPL1-related conditions.

NM_001567.4(INPPL1):c.2033C>T (p.Pro678Leu)

Gene: INPPL1 (inositol polyphosphate phosphatase like 1; plus strand). Cytogenetic location: 11q13.4.
Variant type: single nucleotide variant.
Coding change: c.2033C>T on transcript NM_001567.4 (MANE Select); coding-DNA position 2033, C replaced by T.
Protein change: p.Pro678Leu; replaces proline 678 with leucine.
Molecular consequence: missense variant.
Genome position (GRCh38, 1-based): chr11:72,233,156, C>T. VCF-style: chr11-72233156-C-T. GRCh37 (hg19) VCF-style: chr11-71944200-C-T.
Other names: short protein forms P678L.
Identifiers: ClinVar variation 1061452 (VCV001061452.9), dbSNP rs1948884101, ClinGen allele CA381730863.